The following is an entry in ClinVar:

ClinVar aggregate classification (germline): Uncertain significance (1 of 4 stars; one submission).

Conditions:
Hereditary cancer-predisposing syndrome. Also called: Neoplastic Syndromes, Hereditary; Tumor predisposition; Hereditary neoplastic syndrome; Hereditary Cancer Syndrome. Identifiers: Orphanet 140162, MedGen C0027672, MeSH D009386, MONDO:0015356.

Submission:

Ambry Genetics
Classification: Uncertain significance for Hereditary cancer-predisposing syndrome. Last evaluated: 2026-06-27. Review status: criteria provided, single submitter. Criteria: Ambry Variant Classification Scheme 2023. Collection method: clinical testing. Allele origin: germline.
Comment: The p.G1944W variant (also known as c.5830G>T), located in coding exon 15 of the APC gene, results from a G to T substitution at nucleotide position 5830. The glycine at codon 1944 is replaced by tryptophan, an amino acid with highly dissimilar properties. This amino acid position is conserved. In addition, in silico predictors for this gene do not accurately predict pathogenicity. Based on the available evidence, the clinical significance of this variant remains unclear.

NM_000038.6(APC):c.5830G>T (p.Gly1944Trp)

Gene: APC (APC regulator of Wnt signaling pathway; plus strand). Cytogenetic location: 5q22.2.
Variant type: single nucleotide variant.
Coding change: c.5830G>T on transcript NM_000038.6 (MANE Select); coding-DNA position 5830, G replaced by T.
Protein change: p.Gly1944Trp; replaces glycine 1944 with tryptophan.
Molecular consequence: missense variant. On other transcripts: non-coding transcript variant (2).
Genome position (GRCh38, 1-based): chr5:112,841,424, G>T. VCF-style: chr5-112841424-G-T. GRCh37 (hg19) VCF-style: chr5-112177121-G-T.
Other names: c.5776G>T, p.Gly1926Trp (NM_001127511.3); c.5830G>T, p.Gly1944Trp (NM_001354895.2, NM_001407450.1, NM_001127510.3); c.5884G>T, p.Gly1962Trp (NM_001354896.2, NM_001407447.1, NM_001407448.1 and 1 more transcripts); c.5860G>T, p.Gly1954Trp (NM_001354897.2); c.5755G>T, p.Gly1919Trp (NM_001354898.2); c.5746G>T, p.Gly1916Trp (NM_001354899.2); c.5707G>T, p.Gly1903Trp (NM_001354900.2); c.5653G>T, p.Gly1885Trp (NM_001354901.2, NM_001407453.1); and 11 more; short protein forms G1560W, G1843W, G1853W, G1916W, G1972W, G1784W, G1903W, G1926W.
Identifiers: ClinVar variation 5024742 (VCV005024742.1).